The following is an entry in ClinVar:

NM_172095.4(CATSPER2):c.1173G>T (p.Glu391Asp)

Gene: CATSPER2 (cation channel sperm associated 2; minus strand). Cytogenetic location: 15q15.3.
Variant type: single nucleotide variant.
Coding change: c.1173G>T on transcript NM_172095.4 (MANE Select); coding-DNA position 1173, G replaced by T.
Protein change: p.Glu391Asp; replaces glutamic acid 391 with aspartic acid.
Molecular consequence: missense variant. On other transcripts: non-coding transcript variant (2).
Genome position (GRCh38, 1-based): chr15:43,635,365, C>A on the plus strand (G>T on the coding strand, the complement: CATSPER2 is on the minus strand). VCF-style: chr15-43635365-C-A. GRCh37 (hg19) VCF-style: chr15-43927563-C-A.
Other names: c.1173G>T, p.Glu391Asp (NM_001282309.3, NM_172096.1); c.1191G>T, p.Glu397Asp (NM_001282310.2); c.1173G>T (NM_172095.2); short protein forms E397D, E391D.
Identifiers: ClinVar variation 2591317 (VCV002591317.3), dbSNP rs143143156, ClinGen allele CA7528662.
Genomic context (GRCh38, chr15:43,635,365, plus strand): 5'-TCCACCCTCTCCTCCTTCATGTGTTTCTATCCCAGTTCACATACATACTCCTAACCTGTC[C>A]TCTATTTTGCTATGGCTTGACGTCAGTGCTTCATGTGACATGTTTTTTCTCCTGCAGAGC-3'
Protein context (NP_742093.1, residues 381-401): EALTSSHSKI[Glu391Asp]DSSRGASQQR

ClinVar aggregate classification (germline): Conflicting classifications of pathogenicity. Review status: criteria provided, conflicting classifications (1 of 4 stars). 2 submissions from 2 submitters: Uncertain significance (1); Likely benign (1). Last evaluated 2025-03-11.

Conditions:
CATSPER2-related condition.

Allele frequency attached by ClinVar (database versions not stated): 1000 Genomes Project 30x 0.00016.
gnomAD v4.1: 47 of 1,609,264 alleles (0.0029%); highest among the groups gnomAD compares: East Asian, 0.011%; no homozygotes.

Submissions (2):

PreventionGenetics, part of Exact Sciences
Classification: Uncertain significance for CATSPER2-related condition. Last evaluated: 2025-03-11. Review status: criteria provided, single submitter. Criteria: ACMG Guidelines, 2015. Collection method: clinical testing. Allele origin: germline.
Comment: The CATSPER2 c.1173G>T variant is predicted to result in the amino acid substitution p.Glu391Asp. To our knowledge, this variant has not been reported in the literature. This variant is reported in 0.0099% of alleles in individuals of Ashkenazi Jewish descent in gnomAD. At this time, the clinical significance of this variant is uncertain due to the absence of conclusive functional and genetic evidence.

Ambry Genetics
Classification: Likely benign. Last evaluated: 2023-08-15. Review status: criteria provided, single submitter. Criteria: Ambry Variant Classification Scheme 2023. Collection method: clinical testing. Allele origin: germline.